The following is an entry in ClinVar:

ClinVar aggregate classification (germline): Pathogenic/Likely pathogenic. Review status: criteria provided, multiple submitters, no conflicts (2 of 4 stars). 2 submissions from 2 submitters: Pathogenic (1); Likely pathogenic (1). Last evaluated 2022-12-09.

Conditions:
REEP6-related disorder. Also called: REEP6-related condition.

Allele frequency attached by ClinVar (database versions not stated): gnomAD exomes below 0.00001; TOPMed below 0.00001.

Submissions (2):

Blueprint Genetics
Classification: Pathogenic for REEP6-related disorders. Last evaluated: 2022-12-09. Review status: criteria provided, single submitter. Criteria: ACMG Guidelines, 2015. Collection method: clinical testing. Allele origin: germline. Affected: yes. Observed: 3 variant alleles.

Labcorp Genetics (formerly Invitae), Labcorp
Classification: Likely pathogenic. Last evaluated: 2020-03-31. Review status: criteria provided, single submitter. Criteria: Invitae Variant Classification Sherloc (09022015). Collection method: clinical testing. Allele origin: germline.
Comment: Donor and acceptor splice site variants typically lead to a loss of protein function (PMID: 16199547), and loss-of-function variants in REEP6 are known to be pathogenic (PMID: 27889058, 29120066). In summary, the currently available evidence indicates that the variant is pathogenic, but additional data are needed to prove that conclusively. Therefore, this variant has been classified as Likely Pathogenic. This variant has not been reported in the literature in individuals with REEP6-related conditions. This variant is not present in population databases (ExAC no frequency). This sequence change affects an acceptor splice site in intron 3 of the REEP6 gene. It is expected to disrupt RNA splicing and likely results in an absent or disrupted protein product.

Literature cited by the submitters: PubMed 16199547 (cited by Labcorp Genetics (formerly Invitae), Labcorp); PubMed 27889058 (cited by Labcorp Genetics (formerly Invitae), Labcorp); PubMed 29120066 (cited by Labcorp Genetics (formerly Invitae), Labcorp).

NM_138393.4(REEP6):c.349-1G>T

Gene: REEP6 (receptor accessory protein 6; plus strand). Cytogenetic location: 19p13.3.
Variant type: single nucleotide variant.
Coding change: c.349-1G>T on transcript NM_138393.4 (MANE Select); the canonical splice acceptor site of the intron before coding-DNA position 349, G replaced by T.
Molecular consequence: splice acceptor variant.
Genome position (GRCh38, 1-based): chr19:1,496,284, G>T. VCF-style: chr19-1496284-G-T. GRCh37 (hg19) VCF-style: chr19-1496283-G-T.
Other names: c.349-1G>T (NM_001329556.3).
Identifiers: ClinVar variation 958464 (VCV000958464.9), dbSNP rs2085005383, ClinGen allele CA403056866.